The following is an entry in ClinVar:

NM_000444.6(PHEX):c.1543C>T (p.Gln515Ter)

Gene: PHEX (phosphate regulating endopeptidase X-linked; plus strand). Cytogenetic location: Xp22.11.
Variant type: single nucleotide variant.
Coding change: c.1543C>T on transcript NM_000444.6 (MANE Select); coding-DNA position 1543, C replaced by T.
Protein change: p.Gln515Ter; replaces glutamine 515 with a stop codon.
Molecular consequence: nonsense.
Genome position (GRCh38, 1-based): chrX:22,178,333, C>T. VCF-style: chrX-22178333-C-T. GRCh37 (hg19) VCF-style: chrX-22196450-C-T.
Other names: c.1543C>T, p.Gln515Ter (NM_001282754.2); short protein forms Q515*.
Identifiers: ClinVar variation 280074 (VCV000280074.11), dbSNP rs886041361, ClinGen allele CA10603445.

ClinVar aggregate classification (germline): Pathogenic. Review status: criteria provided, multiple submitters, no conflicts (2 of 4 stars). 3 submissions from 3 submitters: Pathogenic (3). Last evaluated 2023-09-17.

Conditions:
Familial X-linked hypophosphatemic vitamin D refractory rickets (XLHRD). Also called: Hypophosphatemia, vitamin D-resistant rickets; Vitamin D-resistant rickets, X-linked; X-Linked Hypophosphatemia; Hypophosphatemic Rickets, X-Linked Dominant; HYPOPHOSPHATEMIC VITAMIN D-RESISTANT RICKETS. Identifiers: Orphanet 89936, MedGen C0733682, MONDO:0010619, OMIM 307800.

Submissions (3):

Labcorp Genetics (formerly Invitae), Labcorp
Classification: Pathogenic. Last evaluated: 2023-09-17. Review status: criteria provided, single submitter. Criteria: Invitae Variant Classification Sherloc (09022015). Collection method: clinical testing. Allele origin: germline.
Comment: This sequence change creates a premature translational stop signal (p.Gln515*) in the PHEX gene. It is expected to result in an absent or disrupted protein product. Loss-of-function variants in PHEX are known to be pathogenic (PMID: 9097956, 9106524, 19219621). This variant is not present in population databases (gnomAD no frequency). This premature translational stop signal has been observed in individual(s) with hypophosphatemic rickets (PMID: 21902834, 30682568). ClinVar contains an entry for this variant (Variation ID: 280074). For these reasons, this variant has been classified as Pathogenic.

GeneDx
Classification: Pathogenic. Last evaluated: 2017-04-19. Review status: criteria provided, single submitter. Criteria: GeneDx Variant Classification (06012015). Collection method: clinical testing. Allele origin: germline. Affected: yes.
Comment: The Q515X nonsense variant in the PHEX gene has been reported as a de novo finding in patients with X-linked hypophosphatemic rickets (Morey et al., 2011; Durmaz et al., 2013; Zhang et al., 2015). This pathogenic variant is predicted to cause loss of normal protein function either through protein truncation or nonsense-mediated mRNA decay. In addition, the Q515X variant was not observed in approximately 6,500 individuals of European and African American ancestry by the NHLBI Exome Sequencing Project. Therefore, we interpret the Q515X variant to be pathogenic.

Institute of Human Genetics Munich, TUM University Hospital
Classification: Pathogenic for Familial X-linked hypophosphatemic vitamin D refractory rickets. Last evaluated: 2013-10-31. Review status: criteria provided, single submitter. Criteria: Classification criteria August 2017. Collection method: clinical testing. Allele origin: germline. Inheritance: X-linked inheritance. Affected: yes. Observed: 1 hemizygote.

Literature cited by the submitters: PubMed 9097956 (cited by Labcorp Genetics (formerly Invitae), Labcorp); PubMed 9106524 (cited by Labcorp Genetics (formerly Invitae), Labcorp); PubMed 19219621 (cited by Labcorp Genetics (formerly Invitae), Labcorp); PubMed 21902834 (cited by Labcorp Genetics (formerly Invitae), Labcorp); PubMed 30682568 (cited by Labcorp Genetics (formerly Invitae), Labcorp).